The following is an entry in ClinVar:

ClinVar aggregate classification (germline): Pathogenic (1 of 4 stars; one submission).

Submission:

Labcorp Genetics (formerly Invitae), Labcorp
Classification: Pathogenic. Last evaluated: 2020-07-07. Review status: criteria provided, single submitter. Criteria: Invitae Variant Classification Sherloc (09022015). Collection method: clinical testing. Allele origin: germline.
Comment: For these reasons, this variant has been classified as Pathogenic. Loss-of-function variants in SMARCB1 are known to be pathogenic (PMID: 10521299, 21208904). This variant has been observed in individual(s) with rhabdoid tumors (PMID: 21108436, 29489754). This variant is not present in population databases (ExAC no frequency). This sequence change creates a premature translational stop signal (p.Tyr47*) in the SMARCB1 gene. It is expected to result in an absent or disrupted protein product.

Literature cited by the submitters: PubMed 10521299; PubMed 21208904; PubMed 21108436; PubMed 29489754.

NM_003073.5(SMARCB1):c.141C>A (p.Tyr47Ter)

Gene: SMARCB1 (SWI/SNF related BAF chromatin remodeling complex subunit B1; plus strand). Cytogenetic location: 22q11.23.
Variant type: single nucleotide variant.
Coding change: c.141C>A on transcript NM_003073.5 (MANE Select); coding-DNA position 141, C replaced by A.
Protein change: p.Tyr47Ter; replaces tyrosine 47 with a stop codon.
Molecular consequence: nonsense.
Genome position (GRCh38, 1-based): chr22:23,791,803, C>A. VCF-style: chr22-23791803-C-A. GRCh37 (hg19) VCF-style: chr22-24133990-C-A.
Other names: c.141C>A, p.Tyr47Ter (NM_001007468.3, NM_001317946.2, NM_001362877.2); short protein forms Y47*.
Identifiers: ClinVar variation 1073885 (VCV001073885.9), dbSNP rs1601388576, ClinGen allele CA410932660.